The following is an entry in ClinVar:

ClinVar aggregate classification (germline): Likely benign (0 of 4 stars; one submission).

Conditions:
TENM1-related disorder. Also called: TENM1-related condition.

Allele frequency attached by ClinVar (database versions not stated): TOPMed 0.00003; gnomAD 0.00004; gnomAD exomes 0.00015; ExAC 0.00035.
gnomAD v4.1: 171 of 1,209,200 alleles (0.014%); highest among the groups gnomAD compares: South Asian, 0.22%; no homozygotes.

Submission:

PreventionGenetics, part of Exact Sciences
Classification: Likely benign for TENM1-related condition. Last evaluated: 2019-04-05. Review status: no assertion criteria provided. Collection method: clinical testing. Allele origin: germline.
Comment: This variant is classified as likely benign based on ACMG/AMP sequence variant interpretation guidelines (Richards et al. 2015 PMID: 25741868, with internal and published modifications).

NM_001163278.2(TENM1):c.858C>T (p.Thr286=)

Gene: TENM1 (teneurin transmembrane protein 1; minus strand). Cytogenetic location: Xq25.
Variant type: single nucleotide variant.
Coding change: c.858C>T on transcript NM_001163278.2 (MANE Select); coding-DNA position 858, C replaced by T.
Protein change: p.Thr286=; no amino-acid change (threonine 286 retained).
Molecular consequence: synonymous variant.
Genome position (GRCh38, 1-based): chrX:124,705,170, G>A on the plus strand (C>T on the coding strand, the complement: TENM1 is on the minus strand). VCF-style: chrX-124705170-G-A. GRCh37 (hg19) VCF-style: chrX-123839020-G-A.
Other names: c.858C>T, p.Thr286= (NM_001163279.1, NM_014253.3).
Identifiers: ClinVar variation 3047231 (VCV003047231.2), dbSNP rs781451480, ClinGen allele CA10510381.